The following is an entry in ClinVar:

ClinVar aggregate classification (germline): Uncertain significance. Review status: criteria provided, multiple submitters, no conflicts (2 of 4 stars). 4 submissions from 4 submitters: Uncertain significance (4). Last evaluated 2026-08-24.

Conditions:
ANKRD1-related disorder. Also called: ANKRD1-related condition.
Cardiovascular phenotype. Identifiers: MedGen CN230736.
Cardiomyopathy (CMYO). Also called: Cardiomyopathies. Identifiers: Orphanet 167848, MedGen C0878544, MONDO:0004994, HP:0001638. Inheritance: Various modes of inheritance.
ANKRD1-related dilated cardiomyopathy. Identifiers: MedGen CN119551.

Allele frequency attached by ClinVar (database versions not stated): TOPMed 0.00002; gnomAD 0.00003.
gnomAD v4.1: 78 of 1,614,018 alleles (0.0048%); highest among the groups gnomAD compares: Admixed American, 0.03%; 1 homozygote.

Submissions (4):

PreventionGenetics, part of Exact Sciences
Classification: Uncertain significance for ANKRD1-related condition. Last evaluated: 2026-08-24. Review status: criteria provided, single submitter. Criteria: ACMG Guidelines, 2015. Collection method: clinical testing. Allele origin: germline.
Comment: The ANKRD1 c.154C>G variant is predicted to result in the amino acid substitution p.Pro52Ala. This variant has been reported in individuals with hypertrophic cardiomyopathy (Arimura et al. 2009. PubMed ID: 19608031; online supplementary file 2, van Lint et al. 2019. PubMed ID: 30847666). Functional studies showed that this variant increased binding to TTN and MYPN proteins, affected sarcomere incorporation, and failed to induce contractile alterations (Arimura et al. 2009. PubMed ID: 19608031; Crocini et al. 2013. PubMed ID: 23572067). This variant is reported in 0.031% of alleles in individuals of Latino descent in gnomAD and is interpreted as uncertain significance in ClinVar (Variant ID: 263990). At this time, the clinical significance of this variant is uncertain due to the absence of conclusive functional and genetic evidence.

Labcorp Genetics (formerly Invitae), Labcorp
Classification: Uncertain significance for ANKRD1-related dilated cardiomyopathy. Last evaluated: 2025-08-17. Review status: criteria provided, single submitter. Criteria: Invitae Variant Classification Sherloc (09022015). Collection method: clinical testing. Allele origin: germline.
Comment: This sequence change replaces proline, which is neutral and non-polar, with alanine, which is neutral and non-polar, at codon 52 of the ANKRD1 protein (p.Pro52Ala). This variant is present in population databases (rs397517248, gnomAD 0.03%). This missense change has been observed in individual(s) with clinical features of hypertrophic cardiomyopathy (PMID: 19608031, 30847666). ClinVar contains an entry for this variant (Variation ID: 263990). An algorithm developed to predict the effect of missense changes on protein structure and function (PolyPhen-2) suggests that this variant is likely to be tolerated. Experimental studies have shown that this missense change affects ANKRD1 function (PMID: 19608031). In summary, the available evidence is currently insufficient to determine the role of this variant in disease. Therefore, it has been classified as a Variant of Uncertain Significance.

Ambry Genetics
Classification: Uncertain significance for Cardiovascular phenotype. Last evaluated: 2025-03-14. Review status: criteria provided, single submitter. Criteria: Ambry Variant Classification Scheme 2023. Collection method: clinical testing. Allele origin: germline.
Comment: The p.P52A variant (also known as c.154C>G), located in coding exon 2 of the ANKRD1 gene, results from a C to G substitution at nucleotide position 154. The proline at codon 52 is replaced by alanine, an amino acid with some similar properties. This amino acid position is poorly conserved in available vertebrate species. In addition, this alteration is predicted to be tolerated by in silico analysis. The evidence for this gene-disease relationship is limited; therefore, the clinical significance of this alteration is unclear.

CHEO Genetics Diagnostic Laboratory, Children's Hospital of Eastern Ontario
Classification: Uncertain significance for Cardiomyopathy. Last evaluated: 2017-08-23. Review status: criteria provided, single submitter. Criteria: ACMG Guidelines, 2015. Collection method: clinical testing. Allele origin: germline. Study: Canadian Open Genetics Repository.

Literature cited by the submitters: PubMed 19608031 (cited by Labcorp Genetics (formerly Invitae), Labcorp and Ambry Genetics); PubMed 30847666 (cited by Labcorp Genetics (formerly Invitae), Labcorp and Ambry Genetics); PubMed 23572067 (cited by Ambry Genetics).

NM_014391.3(ANKRD1):c.154C>G (p.Pro52Ala)

Gene: ANKRD1 (ankyrin repeat domain 1; minus strand). Cytogenetic location: 10q23.31.
Variant type: single nucleotide variant.
Coding change: c.154C>G on transcript NM_014391.3 (MANE Select); coding-DNA position 154, C replaced by G.
Protein change: p.Pro52Ala; replaces proline 52 with alanine.
Molecular consequence: missense variant.
Genome position (GRCh38, 1-based): chr10:90,920,222, G>C on the plus strand (C>G on the coding strand, the complement: ANKRD1 is on the minus strand). VCF-style: chr10-90920222-G-C. GRCh37 (hg19) VCF-style: chr10-92679979-G-C.
Other names: short protein forms P52A.
Identifiers: ClinVar variation 263990 (VCV000263990.18), dbSNP rs397517248, ClinGen allele CA5598832.